The following is an entry in ClinVar:

NM_001267550.2(TTN):c.92716G>A (p.Asp30906Asn)

Genes: TTN (titin; minus strand), TTN-AS1 (TTN antisense RNA 1; plus strand). Cytogenetic location: 2q31.2.
Variant type: single nucleotide variant.
Coding change: c.92716G>A on transcript NM_001267550.2 (MANE Select); coding-DNA position 92716, G replaced by A.
Protein change: p.Asp30906Asn; replaces aspartic acid 30906 with asparagine.
Molecular consequence: missense variant.
Genome position (GRCh38, 1-based): chr2:178,548,910, C>T on the plus strand (G>A on the coding strand, the complement: TTN is on the minus strand). VCF-style: chr2-178548910-C-T. GRCh37 (hg19) VCF-style: chr2-179413637-C-T.
Other names: p.Asp28338Asn; c.87793G>A, p.Asp29265Asn (NM_001256850.1); c.65521G>A, p.Asp21841Asn (NM_003319.4); c.85012G>A, p.Asp28338Asn (NM_133378.4); c.65896G>A, p.Asp21966Asn (NM_133432.3); c.66097G>A, p.Asp22033Asn (NM_133437.4); short protein forms D21841N, D21966N, D22033N, D28338N, D29265N, D30906N.
Identifiers: ClinVar variation 1285081 (VCV001285081.4), dbSNP rs534881266, ClinGen allele CA1987416.

ClinVar aggregate classification (germline): Uncertain significance. Review status: criteria provided, multiple submitters, no conflicts (2 of 4 stars). 4 submissions from 4 submitters: Uncertain significance (2). 2 of the submissions do not count toward it. Last evaluated 2024-06-14.

Conditions:
Autosomal recessive limb-girdle muscular dystrophy type 2J (LGMDR10). Also called: Limb-girdle muscular dystrophy, type 2J; MUSCULAR DYSTROPHY, LIMB-GIRDLE, AUTOSOMAL RECESSIVE 10. Identifiers: Orphanet 140922, MedGen C1837342, MONDO:0012127, OMIM 608807.
Hypertrophic cardiomyopathy 9. Also called: Familial hypertrophic cardiomyopathy 9. Identifiers: MedGen C1861065, MONDO:0013412, OMIM 613765.
Early-onset myopathy with fatal cardiomyopathy (CMYO5). Also called: CONGENITAL MYOPATHY 5 WITH CARDIOMYOPATHY; Salih Myopathy. Identifiers: Orphanet 289377, MedGen C2673677, MONDO:0012714, OMIM 611705. Disease mechanism: loss of function.
Dilated cardiomyopathy 1G (CMD1G). Identifiers: Orphanet 154, MedGen C1858763, MONDO:0011400, OMIM 604145.
Myopathy, myofibrillar, 9, with early respiratory failure (MFM9). Also called: Hereditary myopathy with early respiratory failure; EDSTROM MYOPATHY; MYOPATHY, PROXIMAL, WITH EARLY RESPIRATORY MUSCLE INVOLVEMENT; Myopathy, distal, with early respiratory failure, autosomal dominant. Identifiers: Orphanet 178464, Orphanet 34521, MedGen C1863599, MONDO:0011362, OMIM 603689.
Tibial muscular dystrophy (TMD). Also called: Udd Distal Myopathy – Tibial Muscular Dystrophy; UDD MYOPATHY; Tibial muscular dystrophy, tardive. Identifiers: Orphanet 609, MedGen C1838244, MONDO:0010870, OMIM 600334.

Allele frequency attached by ClinVar (database versions not stated): ExAC 0.00003; TOPMed 0.00003; gnomAD 0.00004; gnomAD exomes 0.00004 and 0.00005; 1000 Genomes Project 30x 0.00016; 1000 Genomes Project 0.00020.
gnomAD v4.1: 67 of 1,613,868 alleles (0.0042%); highest among the groups gnomAD compares: Admixed American, 0.0083%; no homozygotes.

Submissions (4):

Mayo Clinic Laboratories, Mayo Clinic
Classification: Uncertain significance. Last evaluated: 2024-06-14. Review status: criteria provided, single submitter. Criteria: ACMG Guidelines, 2015. Collection method: clinical testing. Allele origin: germline. Observed: 1 variant allele.
Comment: BP4, PM2

Fulgent Genetics
Classification: Uncertain significance for Tibial muscular dystrophy; Myopathy, myofibrillar, 9, with early respiratory failure; Dilated cardiomyopathy 1G; Autosomal recessive limb-girdle muscular dystrophy type 2J; Early-onset myopathy with fatal cardiomyopathy; Hypertrophic cardiomyopathy 9. Last evaluated: 2021-11-11. Review status: criteria provided, single submitter. Criteria: ACMG Guidelines, 2015. Collection method: clinical testing. Allele origin: unknown.

Clinical Genetics DNA and cytogenetics Diagnostics Lab, Erasmus MC, Erasmus Medical Center
Classification: Uncertain significance. Review status: no assertion criteria provided. Collection method: clinical testing. Allele origin: germline. Affected: yes. Study: VKGL Data-share Consensus. Not counted in ClinVar's aggregate classification.

Genome Diagnostics Laboratory, University Medical Center Utrecht
Classification: Uncertain significance. Review status: no assertion criteria provided. Collection method: clinical testing. Allele origin: germline. Affected: yes. Study: VKGL Data-share Consensus. Not counted in ClinVar's aggregate classification.